The following is an entry in ClinVar:

ClinVar aggregate classification (germline): Likely benign (1 of 4 stars; one submission).

Submission:

GeneDx
Classification: Likely benign. Last evaluated: 2016-02-01. Review status: criteria provided, single submitter. Criteria: GeneDx Variant Classification (06012015). Collection method: clinical testing. Allele origin: germline. Affected: yes.
Comment: This variant is considered likely benign or benign based on one or more of the following criteria: it is a conservative change, it occurs at a poorly conserved position in the protein, it is predicted to be benign by multiple in silico algorithms, and/or has population frequency not consistent with disease.

NM_001110556.2(FLNA):c.374-18C>G

Gene: FLNA (filamin A; minus strand). Cytogenetic location: Xq28.
Variant type: single nucleotide variant.
Coding change: c.374-18C>G on transcript NM_001110556.2 (MANE Select); 18 bases into the intron before coding-DNA position 374, C replaced by G.
Molecular consequence: intron variant.
Genome position (GRCh38, 1-based): chrX:154,368,108, G>C on the plus strand (C>G on the coding strand, the complement: FLNA is on the minus strand). VCF-style: chrX-154368108-G-C. GRCh37 (hg19) VCF-style: chrX-153596476-G-C.
Other names: c.374-18C>G (NM_001456.4).
Identifiers: ClinVar variation 383569 (VCV000383569.1), dbSNP rs1057521678, ClinGen allele CA16609153.